The following is an entry in ClinVar:

ClinVar aggregate classification (germline): Uncertain significance (1 of 4 stars; one submission).

Submission:

Labcorp Genetics (formerly Invitae), Labcorp
Classification: Uncertain significance. Last evaluated: 2024-10-27. Review status: criteria provided, single submitter. Criteria: Invitae Variant Classification Sherloc (09022015). Collection method: clinical testing. Allele origin: germline.
Comment: This sequence change replaces arginine, which is basic and polar, with lysine, which is basic and polar, at codon 1490 of the BRWD3 protein (p.Arg1490Lys). This variant is not present in population databases (gnomAD no frequency). This variant has not been reported in the literature in individuals affected with BRWD3-related conditions. Invitae Evidence Modeling of protein sequence and biophysical properties (such as structural, functional, and spatial information, amino acid conservation, physicochemical variation, residue mobility, and thermodynamic stability) indicates that this missense variant is not expected to disrupt BRWD3 protein function with a negative predictive value of 95%. In summary, the available evidence is currently insufficient to determine the role of this variant in disease. Therefore, it has been classified as a Variant of Uncertain Significance.

NM_153252.5(BRWD3):c.4469G>A (p.Arg1490Lys)

Gene: BRWD3 (bromodomain and WD repeat domain containing 3; minus strand). Cytogenetic location: Xq21.1.
Variant type: single nucleotide variant.
Coding change: c.4469G>A on transcript NM_153252.5 (MANE Select); coding-DNA position 4469, G replaced by A.
Protein change: p.Arg1490Lys; replaces arginine 1490 with lysine.
Molecular consequence: missense variant.
Genome position (GRCh38, 1-based): chrX:80,682,023, C>T on the plus strand (G>A on the coding strand, the complement: BRWD3 is on the minus strand). VCF-style: chrX-80682023-C-T. GRCh37 (hg19) VCF-style: chrX-79937522-C-T.
Other names: short protein forms R1490K.
Identifiers: ClinVar variation 3635010 (VCV003635010.2).
Genomic context (GRCh38, chrX:80,682,023, plus strand): 5'-GATGCAGAACACCAAAAACAAAAGACATATTTACCAGGAGATGAGAAAGGAGAGCTAGTC[C>T]TGGCATGAGATACTGAGGTATTCTGGTCATTTTTAGGCTGCAACTTCATTTGTTTCTGCT-3'
Protein context (NP_694984.5, residues 1480-1500): NDQNTSVSHA[Arg1490Lys]TSSPFSSPVS